The following is an entry in ClinVar:

ClinVar aggregate classification (germline): Uncertain significance (1 of 4 stars; one submission).

Conditions:
Cardiovascular phenotype. Identifiers: MedGen CN230736.

Allele frequency attached by ClinVar (database versions not stated): gnomAD exomes below 0.00001.
gnomAD v4.1: 1 of 1,614,026 alleles (0.000062%); highest among the groups gnomAD compares: Non-Finnish European, 0.000085%; no homozygotes.

Submission:

Ambry Genetics
Classification: Uncertain significance for Cardiovascular phenotype. Last evaluated: 2022-07-05. Review status: criteria provided, single submitter. Criteria: Ambry Variant Classification Scheme 2023. Collection method: clinical testing. Allele origin: germline.
Comment: The p.L2786P variant (also known as c.8357T>C), located in coding exon 33 of the AKAP9 gene, results from a T to C substitution at nucleotide position 8357. The leucine at codon 2786 is replaced by proline, an amino acid with similar properties. This amino acid position is conserved. In addition, this alteration is predicted to be tolerated by in silico analysis. Since supporting evidence is limited at this time, the clinical significance of this alteration remains unclear.

NM_005751.5(AKAP9):c.8357T>C (p.Leu2786Pro)

Gene: AKAP9 (A-kinase anchoring protein 9; plus strand). Cytogenetic location: 7q21.2.
Variant type: single nucleotide variant.
Coding change: c.8357T>C on transcript NM_005751.5 (MANE Select); coding-DNA position 8357, T replaced by C.
Protein change: p.Leu2786Pro; replaces leucine 2786 with proline.
Molecular consequence: missense variant.
Genome position (GRCh38, 1-based): chr7:92,083,366, T>C. VCF-style: chr7-92083366-T-C. GRCh37 (hg19) VCF-style: chr7-91712680-T-C.
Other names: c.3002T>C, p.Leu1001Pro (NM_001379277.1); c.8333T>C, p.Leu2778Pro (NM_147185.3); short protein forms L2778P, L2786P, L1001P.
Identifiers: ClinVar variation 1763063 (VCV001763063.2), dbSNP rs2535258322, ClinGen allele CA368138657.